The following is an entry in ClinVar:

ClinVar aggregate classification (germline): Likely benign (1 of 4 stars; one submission).

Conditions:
Melanoma, cutaneous malignant, susceptibility to, 3. Also called: Cutaneous malignant melanoma 3. Identifiers: Orphanet 618, MedGen C1836892, MONDO:0012183, OMIM 609048.

Submission:

Myriad Genetics, Inc.
Classification: Likely benign for Melanoma, cutaneous malignant, susceptibility to, 3. Last evaluated: 2024-09-25. Review status: criteria provided, single submitter. Criteria: Myriad Autosomal Dominant, Autosomal Recessive and X-Linked Classification Criteria (2023). Collection method: clinical testing. Allele origin: unknown.
Comment: This variant is considered likely benign. This variant is intronic and is not expected to impact mRNA splicing.

NM_000075.4(CDK4):c.522+10_522+13del

Gene: CDK4 (cyclin dependent kinase 4; minus strand). Cytogenetic location: 12q14.1.
Variant type: Deletion.
Coding change: c.522+10_522+13del on transcript NM_000075.4 (MANE Select); bases 10 to 13 of the intron after coding-DNA position 522, 4 bases deleted (AAGA; older notation c.522+10_522+13delAAGA).
Molecular consequence: intron variant.
Genome position (GRCh38, 1-based): chr12:57,750,910-57,750,913, TCTT deleted on the plus strand (AAGA on the coding strand, the reverse complement: CDK4 is on the minus strand); deleting any 4 consecutive bases within chr12:57,750,910-57,750,916 gives the same sequence; the c. name uses the placement nearest the transcript's 3' end. VCF-style (leftmost placement, unchanged base first): chr12-57750909-ATCTT-A. GRCh37 (hg19) VCF-style: chr12-58144692-ATCTT-A.
Identifiers: ClinVar variation 3379084 (VCV003379084.1).